The following is an entry in ClinVar:

NM_001127222.2(CACNA1A):c.4105G>A (p.Val1369Met)

Genes: CACNA1A (calcium voltage-gated channel subunit alpha1 A; minus strand), LOC126862864 (MED14-independent group 3 enhancer GRCh37_chr19:13371552-13372751; plus strand). Cytogenetic location: 19p13.13.
Variant type: single nucleotide variant.
Coding change: c.4105G>A on transcript NM_001127222.2 (MANE Select); coding-DNA position 4105, G replaced by A.
Protein change: p.Val1369Met; replaces valine 1369 with methionine.
Molecular consequence: missense variant.
Genome position (GRCh38, 1-based): chr19:13,261,595, C>T on the plus strand (G>A on the coding strand, the complement: CACNA1A is on the minus strand). VCF-style: chr19-13261595-C-T. GRCh37 (hg19) VCF-style: chr19-13372409-C-T.
Other names: c.4117G>A, p.Val1373Met (NM_000068.4, NM_023035.3); c.4108G>A, p.Val1370Met (NM_001127221.2, NM_001174080.2); short protein forms V1369M, V1370M, V1373M.
Identifiers: ClinVar variation 3902977 (VCV003902977.1).

ClinVar aggregate classification (germline): Uncertain significance (1 of 4 stars; one submission).

Submission:

GeneDx
Classification: Uncertain significance. Last evaluated: 2024-12-12. Review status: criteria provided, single submitter. Criteria: GeneDx Variant Classification Process June 2021. Collection method: clinical testing. Allele origin: germline. Affected: yes.
Comment: Not observed at significant frequency in large population cohorts (gnomAD); In silico analysis supports that this missense variant has a deleterious effect on protein structure/function; Has not been previously published as pathogenic or benign to our knowledge